The following is an entry in ClinVar:

ClinVar aggregate classification (germline): Likely pathogenic (1 of 4 stars; one submission).

gnomAD v4.1: 7 of 1,612,942 alleles (0.00043%); highest among the groups gnomAD compares: African/African-American, 0.0053%; no homozygotes.

Submission:

Labcorp Genetics (formerly Invitae), Labcorp
Classification: Likely pathogenic. Last evaluated: 2025-08-15. Review status: criteria provided, single submitter. Criteria: Invitae Variant Classification Sherloc (09022015). Collection method: clinical testing. Allele origin: germline.
Comment: This sequence change affects an acceptor splice site in intron 8 of the UROS gene. It is expected to disrupt RNA splicing. Variants that disrupt the donor or acceptor splice site typically lead to a loss of protein function (PMID: 16199547), and loss-of-function variants in UROS are known to be pathogenic (PMID: 1733834, 7860775, 12060141). This variant is present in population databases (rs150039654, gnomAD 0.008%). This variant has not been reported in the literature in individuals affected with UROS-related conditions. Algorithms developed to predict the effect of sequence changes on RNA splicing suggest that this variant may disrupt the consensus splice site. In summary, the currently available evidence indicates that the variant is pathogenic, but additional data are needed to prove that conclusively. Therefore, this variant has been classified as Likely Pathogenic.

Literature cited by the submitters: PubMed 16199547; PubMed 1733834; PubMed 7860775; PubMed 12060141.

NM_000375.3(UROS):c.562-2A>G

Gene: UROS (uroporphyrinogen III synthase; minus strand). Cytogenetic location: 10q26.2.
Variant type: single nucleotide variant.
Coding change: c.562-2A>G on transcript NM_000375.3 (MANE Select); the canonical splice acceptor site of the intron before coding-DNA position 562, A replaced by G.
Molecular consequence: splice acceptor variant.
Genome position (GRCh38, 1-based): chr10:125,794,980, T>C on the plus strand (A>G on the coding strand, the complement: UROS is on the minus strand). VCF-style: chr10-125794980-T-C. GRCh37 (hg19) VCF-style: chr10-127483549-T-C.
Other names: c.481-2A>G (NM_001324038.2, NM_001324037.2); c.562-2A>G (NM_001324036.2).
Identifiers: ClinVar variation 4695950 (VCV004695950.1).